The following is an entry in ClinVar:

ClinVar aggregate classification (germline): Conflicting classifications of pathogenicity. Review status: criteria provided, conflicting classifications (1 of 4 stars). 6 submissions from 6 submitters: Uncertain significance (1); Benign (2); Likely benign (2). 1 of the submissions does not count toward it. Last evaluated 2026-01-11.

Conditions:
AHDC1-related disorder. Also called: AHDC1-related condition.
AHDC1-related intellectual disability - obstructive sleep apnea - mild dysmorphism syndrome. Also called: Xia-Gibbs syndrome. Identifiers: Orphanet 412069, MedGen C4014419, MONDO:0014358, OMIM 615829.

Submissions (6):

Labcorp Genetics (formerly Invitae), Labcorp
Classification: Likely benign. Last evaluated: 2026-01-11. Review status: criteria provided, single submitter. Criteria: Invitae Variant Classification Sherloc (09022015). Collection method: clinical testing. Allele origin: germline.

CeGaT Center for Human Genetics Tuebingen
Classification: Benign. Last evaluated: 2022-05-01. Review status: criteria provided, single submitter. Criteria: CeGaT Center For Human Genetics Tuebingen Variant Classification Criteria Version 2. Collection method: clinical testing. Allele origin: germline. Affected: yes. Observed: 2 variant alleles.
Comment: AHDC1: BS1, BS2

GeneDx
Classification: Benign. Last evaluated: 2020-04-03. Review status: criteria provided, single submitter. Criteria: GeneDx Variant Classification Process June 2021. Collection method: clinical testing. Allele origin: germline. Affected: yes.

Mendelics
Classification: Likely benign for AHDC1-related intellectual disability - obstructive sleep apnea - mild dysmorphism syndrome. Last evaluated: 2019-05-28. Review status: criteria provided, single submitter. Criteria: Mendelics Assertion Criteria 2017. Collection method: clinical testing. Allele origin: unknown.

Centre for Mendelian Genomics, University Medical Centre Ljubljana
Classification: Uncertain significance for AHDC1-related intellectual disability - obstructive sleep apnea - mild dysmorphism syndrome. Last evaluated: 2019-05-09. Review status: criteria provided, single submitter. Criteria: ACMG Guidelines, 2015. Collection method: clinical testing. Allele origin: unknown. Affected: yes.
Comment: This variant was classified as: Uncertain significance. The available evidence on this variant's pathogenicity is insufficient or conflicting. The following ACMG criteria were applied in classifying this variant: BP3.

PreventionGenetics, part of Exact Sciences
Classification: Benign for AHDC1-related condition. Last evaluated: 2019-11-04. Review status: no assertion criteria provided. Collection method: clinical testing. Allele origin: germline. Not counted in ClinVar's aggregate classification.
Comment: This variant is classified as benign based on ACMG/AMP sequence variant interpretation guidelines (Richards et al. 2015 PMID: 25741868, with internal and published modifications).

NM_001371928.1(AHDC1):c.3254CCT[6] (p.Ser1091del)

Gene: AHDC1 (AT-hook DNA binding motif containing 1; minus strand). Cytogenetic location: 1p36.11.
Variant type: Microsatellite.
Coding change: c.3254CCT[6] on transcript NM_001371928.1 (MANE Select); six copies in a row of the 3-base unit CCT starting at c.3254; the reference has seven copies in a row; one copy, 3 bases deleted.
Protein change: p.Ser1091del; deletes serine 1091.
Molecular consequence: inframe deletion.
Genome position (GRCh38, 1-based): chr1:27,548,842-27,548,844, AGG deleted on the plus strand (CCT on the coding strand, the reverse complement: AHDC1 is on the minus strand); deleting any 3 consecutive bases within chr1:27,548,842-27,548,862 gives the same sequence; the position shown is the placement nearest the transcript's 3' end. VCF-style (leftmost placement, unchanged base first): chr1-27548841-AAGG-A. GRCh37 (hg19) VCF-style: chr1-27875352-AAGG-A.
Other names: c.3254CCT[6], p.Ser1091del (NM_001029882.3); c.3272_3274del (NM_001029882.2, NM_001029882.3); c.3272_3274delCCT (NM_001029882.3); short protein forms S1091del.
Identifiers: ClinVar variation 774392 (VCV000774392.42), dbSNP rs530256606, ClinGen allele CA715585.
Genomic context (GRCh38, chr1:27,548,841, plus strand): 5'-TGCCGGAAAGGCCACTGAGAAGCCCCCGCAAACTGCCGACAGTTCTCGGGCGAGGGCTGG[AAGG>A]AGGAGGAGGAGGAGGAGGCGGCAGAGGCTGCAGAGGTGGCAGAGGCTGTGGTGCCCTTGG-3'